The following is an entry in ClinVar:

NM_001033855.3(DCLRE1C):c.1798G>C (p.Asp600His)

Gene: DCLRE1C (DNA cross-link repair 1C; minus strand). Cytogenetic location: 10p13.
Variant type: single nucleotide variant.
Coding change: c.1798G>C on transcript NM_001033855.3 (MANE Select); coding-DNA position 1798, G replaced by C.
Protein change: p.Asp600His; replaces aspartic acid 600 with histidine.
Molecular consequence: missense variant. On other transcripts: non-coding transcript variant (3), intron variant (3).
Genome position (GRCh38, 1-based): chr10:14,908,689, C>G on the plus strand (G>C on the coding strand, the complement: DCLRE1C is on the minus strand). VCF-style: chr10-14908689-C-G. GRCh37 (hg19) VCF-style: chr10-14950688-C-G.
Other names: c.1438G>C, p.Asp480His (NM_001033857.3, NM_001033858.3, NM_001289077.2 and 1 more transcripts); c.1453G>C, p.Asp485His (NM_001289076.2, NM_001289078.2, NM_022487.4); c.1437+16G>C (NM_001350966.2); c.1782+16G>C (NM_001350965.2); c.1422+16G>C (NM_001350967.2); short protein forms D480H, D485H, D600H.
Identifiers: ClinVar variation 1460873 (VCV001460873.8), dbSNP rs772593258, ClinGen allele CA5416405.

ClinVar aggregate classification (germline): Uncertain significance (1 of 4 stars; one submission).

Conditions:
Severe combined immunodeficiency due to DCLRE1C deficiency (RS-SCID). Also called: SCID, AUTOSOMAL RECESSIVE, T CELL-NEGATIVE, B CELL-NEGATIVE, NK CELL-POSITIVE, WITH SENSITIVITY TO IONIZING RADIATION. Identifiers: Orphanet 275, MedGen C1865371, MONDO:0011225, OMIM 602450.

Allele frequency attached by ClinVar (database versions not stated): gnomAD exomes below 0.00001; TOPMed below 0.00001; ExAC 0.00001; gnomAD 0.00001.
gnomAD v4.1: 3 of 1,614,036 alleles (0.00019%); highest among the groups gnomAD compares: African/African-American, 0.0027%; no homozygotes.

Submission:

Labcorp Genetics (formerly Invitae), Labcorp
Classification: Uncertain significance for Athabaskan severe combined immunodeficiency. Last evaluated: 2024-05-06. Review status: criteria provided, single submitter. Criteria: Invitae Variant Classification Sherloc (09022015). Collection method: clinical testing. Allele origin: germline.
Comment: This sequence change replaces aspartic acid, which is acidic and polar, with histidine, which is basic and polar, at codon 600 of the DCLRE1C protein (p.Asp600His). This variant is present in population databases (rs772593258, gnomAD 0.0009%). This variant has not been reported in the literature in individuals affected with DCLRE1C-related conditions. ClinVar contains an entry for this variant (Variation ID: 1460873). An algorithm developed to predict the effect of missense changes on protein structure and function (PolyPhen-2) suggests that this variant is likely to be disruptive. In summary, the available evidence is currently insufficient to determine the role of this variant in disease. Therefore, it has been classified as a Variant of Uncertain Significance.